The following is an entry in ClinVar:

NM_000051.4(ATM):c.5541T>C (p.His1847=)

Gene: ATM (ATM serine/threonine kinase; plus strand). Cytogenetic location: 11q22.3.
Variant type: single nucleotide variant.
Coding change: c.5541T>C on transcript NM_000051.4 (MANE Select); coding-DNA position 5541, T replaced by C.
Protein change: p.His1847=; no amino-acid change (histidine 1847 retained).
Molecular consequence: synonymous variant.
Genome position (GRCh38, 1-based): chr11:108,304,719, T>C. VCF-style: chr11-108304719-T-C. GRCh37 (hg19) VCF-style: chr11-108175446-T-C.
Other names: c.5541T>C, p.His1847= (NM_001351834.2).
Identifiers: ClinVar variation 482571 (VCV000482571.14), dbSNP rs1555107326, ClinGen allele CA476675127.

ClinVar aggregate classification (germline): Benign/Likely benign. Review status: criteria provided, multiple submitters, no conflicts (2 of 4 stars). 3 submissions from 3 submitters: Benign (1); Likely benign (2). Last evaluated 2025-07-19.

Conditions:
Hereditary cancer-predisposing syndrome. Also called: Hereditary neoplastic syndrome; Neoplastic Syndromes, Hereditary; Tumor predisposition; Hereditary Cancer Syndrome. Identifiers: Orphanet 140162, MedGen C0027672, MeSH D009386, MONDO:0015356.
Ataxia-telangiectasia syndrome (AT). Also called: LOUIS-BAR SYNDROME; Cerebello-oculocutaneous telangiectasia; Immunodeficiency with ataxia telangiectasia; AT, COMPLEMENTATION GROUP C; Ataxia-telangiectasia, complementation group D; ATAXIA-TELANGIECTASIA, COMPLEMENTATION GROUP A. Identifiers: Orphanet 100, MedGen C0004135, MONDO:0008840, OMIM 208900.
Familial cancer of breast. Also called: BREAST CANCER, FAMILIAL; Hereditary breast cancer; hereditary breast carcinoma. Identifiers: Orphanet 227535, MedGen C0346153, MONDO:0016419, OMIM 114480. Disease mechanism: loss of function.

Submissions (3):

Labcorp Genetics (formerly Invitae), Labcorp
Classification: Likely benign for Ataxia-telangiectasia syndrome. Last evaluated: 2025-07-19. Review status: criteria provided, single submitter. Criteria: Invitae Variant Classification Sherloc (09022015). Collection method: clinical testing. Allele origin: germline.

Myriad Genetics, Inc.
Classification: Benign for Familial cancer of breast. Last evaluated: 2024-05-23. Review status: criteria provided, single submitter. Criteria: Myriad Autosomal Dominant, Autosomal Recessive and X-Linked Classification Criteria (2023). Collection method: clinical testing. Allele origin: unknown.
Comment: This variant is considered benign. This variant is a silent/synonymous amino acid change and it is not expected to impact splicing.

Ambry Genetics
Classification: Likely benign for Hereditary cancer-predisposing syndrome. Last evaluated: 2016-02-26. Review status: criteria provided, single submitter. Criteria: Ambry Variant Classification Scheme 2023. Collection method: clinical testing. Allele origin: germline.